The following is an entry in ClinVar:

ClinVar aggregate classification (germline): Uncertain significance. Review status: criteria provided, multiple submitters, no conflicts (2 of 4 stars). 2 submissions from 2 submitters: Uncertain significance (2). Last evaluated 2025-11-16.

Conditions:
Inborn genetic diseases. Identifiers: MedGen C0950123, MeSH D030342.
Congenital factor V deficiency. Also called: OWREN PARAHEMOPHILIA; PARAHEMOPHILIA; Hereditary factor V deficiency disease; LABILE FACTOR DEFICIENCY. Identifiers: Orphanet 326, MedGen C0015499, MONDO:0009210, OMIM 227400.

Allele frequency attached by ClinVar (database versions not stated): gnomAD 0.00001; TOPMed 0.00003.
gnomAD v4.1: 52 of 1,613,908 alleles (0.0032%); highest among the groups gnomAD compares: Non-Finnish European, 0.0042%; no homozygotes.

Submissions (2):

Labcorp Genetics (formerly Invitae), Labcorp
Classification: Uncertain significance for Congenital factor V deficiency. Last evaluated: 2025-11-16. Review status: criteria provided, single submitter. Criteria: Invitae Variant Classification Sherloc (09022015). Collection method: clinical testing. Allele origin: germline.
Comment: This sequence change replaces proline, which is neutral and non-polar, with alanine, which is neutral and non-polar, at codon 1431 of the F5 protein (p.Pro1431Ala). This variant is present in population databases (no rsID available, gnomAD 0.003%). This variant has not been reported in the literature in individuals affected with F5-related conditions. ClinVar contains an entry for this variant (Variation ID: 2883587). Invitae Evidence Modeling of protein sequence and biophysical properties (such as structural, functional, and spatial information, amino acid conservation, physicochemical variation, residue mobility, and thermodynamic stability) has been performed for this missense variant. However, the output from this modeling did not meet the statistical confidence thresholds required to predict the impact of this variant on F5 protein function. In summary, the available evidence is currently insufficient to determine the role of this variant in disease. Therefore, it has been classified as a Variant of Uncertain Significance.

Ambry Genetics
Classification: Uncertain significance for Inborn genetic diseases. Last evaluated: 2025-10-06. Review status: criteria provided, single submitter. Criteria: Ambry Variant Classification Scheme 2023. Collection method: clinical testing. Allele origin: germline.

NM_000130.5(F5):c.4291C>G (p.Pro1431Ala)

Gene: F5 (coagulation factor V; minus strand). Cytogenetic location: 1q24.2.
Variant type: single nucleotide variant.
Coding change: c.4291C>G on transcript NM_000130.5 (MANE Select); coding-DNA position 4291, C replaced by G.
Protein change: p.Pro1431Ala; replaces proline 1431 with alanine.
Molecular consequence: missense variant.
Genome position (GRCh38, 1-based): chr1:169,540,799, G>C on the plus strand (C>G on the coding strand, the complement: F5 is on the minus strand). VCF-style: chr1-169540799-G-C. GRCh37 (hg19) VCF-style: chr1-169510037-G-C.
Other names: short protein forms P1431A.
Identifiers: ClinVar variation 2883587 (VCV002883587.3), dbSNP rs1036528811, ClinGen allele CA32439913.